The following is an entry in ClinVar:

ClinVar aggregate classification (germline): Pathogenic (1 of 4 stars; one submission).

Conditions:
Recessive dystrophic epidermolysis bullosa (RDEB). Also called: DYSTROPHIC EPIDERMOLYSIS BULLOSA, AUTOSOMAL RECESSIVE; EPIDERMOLYSIS BULLOSA DYSTROPHICA, HALLOPEAU-SIEMENS TYPE; Hallopeau-Siemens Disease; severe generalized recessive dystrophic epidermolysis bullosa; EPIDERMOLYSIS BULLOSA DYSTROPHICA, GENERALIZED SEVERE, AUTOSOMAL RECESSIVE; Epidermolysis Bullosa Distrophica Autosomal Recessive (RDEB). Identifiers: Orphanet 79408, Orphanet 79409, MedGen C0079474, MONDO:0009179, OMIM 226600.

Submission:

Myriad Genetics, Inc.
Classification: Pathogenic for Recessive dystrophic epidermolysis bullosa. Last evaluated: 2024-10-18. Review status: criteria provided, single submitter. Criteria: Myriad Autosomal Dominant, Autosomal Recessive and X-Linked Classification Criteria (2023). Collection method: clinical testing. Allele origin: unknown.
Comment: NM_000094.3(COL7A1):c.3072C>A(Y1024*) is expected to be pathogenic in the context of dystrophic epidermolysis bullosa. This variant is predicted to lead to an abnormal or absent protein product due to the creation of a premature termination codon in COL7A1, a gene where loss-of-function variants are known to be pathogenic. Please note: this variant was assessed in the context of healthy population screening.

NM_000094.4(COL7A1):c.3072C>A (p.Tyr1024Ter)

Gene: COL7A1 (collagen type VII alpha 1 chain; minus strand). Cytogenetic location: 3p21.31.
Variant type: single nucleotide variant.
Coding change: c.3072C>A on transcript NM_000094.4 (MANE Select); coding-DNA position 3072, C replaced by A.
Protein change: p.Tyr1024Ter; replaces tyrosine 1024 with a stop codon.
Molecular consequence: nonsense.
Genome position (GRCh38, 1-based): chr3:48,587,257, G>T on the plus strand (C>A on the coding strand, the complement: COL7A1 is on the minus strand). VCF-style: chr3-48587257-G-T. GRCh37 (hg19) VCF-style: chr3-48624690-G-T.
Other names: short protein forms Y1024*.
Identifiers: ClinVar variation 5013648 (VCV005013648.1).